The following is an entry in ClinVar:

NM_144631.6(ZNF513):c.1405G>A (p.Glu469Lys)

Genes: ZNF513 (zinc finger protein 513; minus strand), LOC129933376 (ATAC-STARR-seq lymphoblastoid active region 15506; plus strand). Cytogenetic location: 2p23.3.
Variant type: single nucleotide variant.
Coding change: c.1405G>A on transcript NM_144631.6 (MANE Select); coding-DNA position 1405, G replaced by A.
Protein change: p.Glu469Lys; replaces glutamic acid 469 with lysine.
Molecular consequence: missense variant.
Genome position (GRCh38, 1-based): chr2:27,377,766, C>T on the plus strand (G>A on the coding strand, the complement: ZNF513 is on the minus strand). VCF-style: chr2-27377766-C-T. GRCh37 (hg19) VCF-style: chr2-27600633-C-T.
Other names: c.1219G>A, p.Glu407Lys (NM_001201459.2); short protein forms E469K, E407K.
Identifiers: ClinVar variation 3196322 (VCV003196322.2), dbSNP rs1460356961, ClinGen allele CA346214504.
Genomic context (GRCh38, chr2:27,377,766, plus strand): 5'-GCTTGTAGTTGTCCCAGTGGCCCGTGGTATAGGCGCAGGTGGCACAGCGGAAGGGCTTCT[C>T]GCCTGTGTGCCGCAGCATGTGACGTTTGAGGTTCATGCTCTGGTTGCAGCTGTAGTTGCA-3'
Protein context (NP_653232.3, residues 459-479): LKRHMLRHTG[Glu469Lys]KPFRCATCAY

ClinVar aggregate classification (germline): Uncertain significance. Review status: criteria provided, multiple submitters, no conflicts (2 of 4 stars). 2 submissions from 2 submitters: Uncertain significance (2). Last evaluated 2025-01-29.

Allele frequency attached by ClinVar (database versions not stated): gnomAD exomes below 0.00001.
gnomAD v4.1: 2 of 1,614,228 alleles (0.00012%); highest among the groups gnomAD compares: Admixed American, 0.0017%; no homozygotes.

Submissions (2):

Labcorp Genetics (formerly Invitae), Labcorp
Classification: Uncertain significance. Last evaluated: 2025-01-29. Review status: criteria provided, single submitter. Criteria: Invitae Variant Classification Sherloc (09022015). Collection method: clinical testing. Allele origin: germline.
Comment: This sequence change replaces glutamic acid, which is acidic and polar, with lysine, which is basic and polar, at codon 469 of the ZNF513 protein (p.Glu469Lys). This variant is present in population databases (no rsID available, gnomAD 0.003%). This variant has not been reported in the literature in individuals affected with ZNF513-related conditions. ClinVar contains an entry for this variant (Variation ID: 3196322). An algorithm developed to predict the effect of missense changes on protein structure and function (PolyPhen-2) suggests that this variant is likely to be disruptive. In summary, the available evidence is currently insufficient to determine the role of this variant in disease. Therefore, it has been classified as a Variant of Uncertain Significance.

Ambry Genetics
Classification: Uncertain significance. Last evaluated: 2023-11-14. Review status: criteria provided, single submitter. Criteria: Ambry Variant Classification Scheme 2023. Collection method: clinical testing. Allele origin: germline.